The following is an entry in ClinVar:

ClinVar aggregate classification (germline): Uncertain significance (1 of 4 stars; one submission).

gnomAD v4.1: 1 of 1,613,950 alleles (0.000062%); highest among the groups gnomAD compares: East Asian, 0.0022%; no homozygotes.

Submission:

Ambry Genetics
Classification: Uncertain significance. Last evaluated: 2024-03-16. Review status: criteria provided, single submitter. Criteria: Ambry Variant Classification Scheme 2023. Collection method: clinical testing. Allele origin: germline.
Comment: The p.L751I variant (also known as c.2251C>A), located in coding exon 1 of the MLH3 gene, results from a C to A substitution at nucleotide position 2251. The leucine at codon 751 is replaced by isoleucine, an amino acid with highly similar properties. This amino acid position is conserved. In addition, this alteration is predicted to be tolerated by in silico analysis. Since supporting evidence is limited at this time, the clinical significance of this alteration remains unclear.

NM_001040108.2(MLH3):c.2251C>A (p.Leu751Ile)

Gene: MLH3 (mutL homolog 3; minus strand). Cytogenetic location: 14q24.3.
Variant type: single nucleotide variant.
Coding change: c.2251C>A on transcript NM_001040108.2 (MANE Select); coding-DNA position 2251, C replaced by A.
Protein change: p.Leu751Ile; replaces leucine 751 with isoleucine.
Molecular consequence: missense variant.
Genome position (GRCh38, 1-based): chr14:75,047,405, G>T on the plus strand (C>A on the coding strand, the complement: MLH3 is on the minus strand). VCF-style: chr14-75047405-G-T. GRCh37 (hg19) VCF-style: chr14-75514108-G-T.
Other names: c.2251C>A, p.Leu751Ile (NM_014381.3); short protein forms L751I.
Identifiers: ClinVar variation 1788437 (VCV001788437.2), dbSNP rs2503274750, ClinGen allele CA390441114.
Genomic context (GRCh38, chr14:75,047,405, plus strand): 5'-CTGTATCCAGAGGATTTTCAACCTTCCCATATTGCCTCTTAAACTTCTCTAAAGATCCTA[G>T]CTGTGAACTCAAGCTTAGCTTCTTACGGACGATTGGTTTGGAGAAACCAATTAATTTATC-3'
Protein context (NP_001035197.1, residues 741-761): VRKKLSLSSQ[Leu751Ile]GSLEKFKRQY